The following is an entry in ClinVar:

ClinVar aggregate classification (germline): Benign/Likely benign. Review status: criteria provided, multiple submitters, no conflicts (2 of 4 stars). 4 submissions from 4 submitters: Benign (3); Likely benign (1). Last evaluated 2026-02-12.

Allele frequency attached by ClinVar (database versions not stated): gnomAD exomes 0.00053 and 0.00142; ExAC 0.00267; gnomAD 0.00551 and 0.00561; TOPMed 0.00608; ESP Exome Variant Server 0.00620; 1000 Genomes Project 0.00839; 1000 Genomes Project 30x 0.00843.
gnomAD v4.1: 1,651 of 1,608,504 alleles (0.1%); highest among the groups gnomAD compares: African/African-American, 2%; 18 homozygotes.

Submissions (4):

Women's Health and Genetics/Laboratory Corporation of America, LabCorp
Classification: Likely benign. Last evaluated: 2026-02-12. Review status: criteria provided, single submitter. Criteria: LabCorp Variant Classification Summary - May 2015. Collection method: clinical testing. Allele origin: germline.
Comment: Variant summary: SMARCD2 c.1457T>C (p.Ile486Thr) results in a non-conservative amino acid change in the encoded protein sequence. Algorithms developed to predict the effect of missense changes on protein structure and function are either unavailable or do not agree on the potential impact of this missense change. The variant allele was found at a frequency of 0.0014 in 238614 control chromosomes, predominantly at a frequency of 0.021 within the African or African-American subpopulation in the gnomAD database, including 3 homozygotes. The observed variant frequency within African or African-American control individuals in the gnomAD database exceeds the estimated maximal expected allele frequency for disease-causing variants in SMARCD2. To our knowledge, no occurrence of c.1457T>C in individuals affected with SMARCD2-related conditions and no experimental evidence demonstrating its impact on protein function have been reported. ClinVar contains an entry for this variant (Variation ID: 717041). Based on the evidence outlined above, the variant was classified as likely benign.

Labcorp Genetics (formerly Invitae), Labcorp
Classification: Benign. Last evaluated: 2026-02-03. Review status: criteria provided, single submitter. Criteria: Invitae Variant Classification Sherloc (09022015). Collection method: clinical testing. Allele origin: germline.

Mayo Clinic Laboratories, Mayo Clinic
Classification: Benign. Last evaluated: 2023-11-15. Review status: criteria provided, single submitter. Criteria: ACMG Guidelines, 2015. Collection method: clinical testing. Allele origin: germline. Observed: 4 variant alleles.
Comment: BS1, BS2, BP4

Breakthrough Genomics
Classification: Benign. Review status: criteria provided, single submitter. Criteria: ACMG Guidelines, 2015. Collection method: not provided. Allele origin: germline. Inheritance: Autosomal recessive inheritance. Affected: yes.

NM_001098426.2(SMARCD2):c.1457T>C (p.Ile486Thr)

Gene: SMARCD2 (SWI/SNF related BAF chromatin remodeling complex subunit D2; minus strand). Cytogenetic location: 17q23.3.
Variant type: single nucleotide variant.
Coding change: c.1457T>C on transcript NM_001098426.2 (MANE Select); coding-DNA position 1457, T replaced by C.
Protein change: p.Ile486Thr; replaces isoleucine 486 with threonine.
Molecular consequence: missense variant.
Genome position (GRCh38, 1-based): chr17:63,833,154, A>G on the plus strand (T>C on the coding strand, the complement: SMARCD2 is on the minus strand). VCF-style: chr17-63833154-A-G. GRCh37 (hg19) VCF-style: chr17-61910514-A-G.
Other names: p.Ile486Thr; c.1232T>C, p.Ile411Thr (NM_001330439.1); c.1313T>C, p.Ile438Thr (NM_001330440.2); short protein forms I486T, I411T, I438T.
Identifiers: ClinVar variation 717041 (VCV000717041.12), dbSNP rs1130111, ClinGen allele CA8706181.